The following is an entry in ClinVar:

ClinVar aggregate classification (germline): Uncertain significance. Review status: criteria provided, single submitter (1 of 4 stars). 2 submissions from 2 submitters: Uncertain significance (1). 1 of the submissions does not count toward it. Last evaluated 2021-08-24.

Conditions:
Hemochromatosis type 2A (HFE2A). Also called: Adult-Onset Hemochromatosis; HJV (HFE2)-Related Juvenile Hemochromatosis. Identifiers: Orphanet 79230, MedGen C1865614, MONDO:0011216, OMIM 602390.

Allele frequency attached by ClinVar (database versions not stated): gnomAD exomes 0.00001; TOPMed 0.00001; ExAC 0.00002; ESP Exome Variant Server 0.00008; gnomAD 0.00001.
gnomAD v4.1: 23 of 1,612,806 alleles (0.0014%); highest among the groups gnomAD compares: Non-Finnish European, 0.0018%; no homozygotes.

Submissions (2):

Labcorp Genetics (formerly Invitae), Labcorp
Classification: Uncertain significance. Last evaluated: 2021-08-24. Review status: criteria provided, single submitter. Criteria: Invitae Variant Classification Sherloc (09022015). Collection method: clinical testing. Allele origin: germline.
Comment: This sequence change replaces arginine with proline at codon 92 of the HJV protein (p.Arg92Pro). The arginine residue is highly conserved and there is a moderate physicochemical difference between arginine and proline. This variant is present in population databases (rs373894351, ExAC 0.003%). This missense change has been observed in individual(s) with hemochromatosis (Invitae). In at least one individual the data is consistent with the variant being in trans (on the opposite chromosome) from a pathogenic variant. Algorithms developed to predict the effect of missense changes on protein structure and function (SIFT, PolyPhen-2, Align-GVGD) all suggest that this variant is likely to be disruptive. In summary, the available evidence is currently insufficient to determine the role of this variant in disease. Therefore, it has been classified as a Variant of Uncertain Significance.

Natera, Inc.
Classification: Uncertain significance for Hemochromatosis type 2A. Last evaluated: 2020-10-01. Review status: no assertion criteria provided. Collection method: clinical testing. Allele origin: germline. Not counted in ClinVar's aggregate classification.

NM_213653.4(HJV):c.275G>C (p.Arg92Pro)

Gene: HJV (hemojuvelin BMP co-receptor; minus strand). Cytogenetic location: 1q21.1.
Variant type: single nucleotide variant.
Coding change: c.275G>C on transcript NM_213653.4 (MANE Select); coding-DNA position 275, G replaced by C.
Protein change: p.Arg92Pro; replaces arginine 92 with proline.
Molecular consequence: missense variant. On other transcripts: 5 prime UTR variant (1), intron variant (3).
Genome position (GRCh38, 1-based): chr1:146,019,557, C>G on the plus strand (G>C on the coding strand, the complement: HJV is on the minus strand). VCF-style: chr1-146019557-C-G. GRCh37 (hg19) VCF-style: chr1-145415456-G-C.
Other names: c.275G>C, p.Arg92Pro (NM_001379352.1); c.-65G>C (NM_145277.5); c.-21-857G>C (NM_213652.4); c.-22+141G>C (NM_202004.4, NM_001316767.2); short protein forms R92P.
Identifiers: ClinVar variation 1053196 (VCV001053196.7), dbSNP rs373894351, ClinGen allele CA1053780.
Genomic context (GRCh38, chr1:146,019,557, plus strand): 5'-TCTTCGATGCCATGTACCGCCGAATGGAAGGCGAGGTCCCCGCGGCAGGTGCGGGCGGTG[C>G]GCCGAGTGCAGAGCGCATAGGAGCGGAGGGCTCGACAGAGGCCGCCAGAGCCCACCCCTC-3'
Protein context (NP_998818.1, residues 82-102): ALRSYALCTR[Arg92Pro]TARTCRGDLA